The following is an entry in ClinVar:

NM_000051.4(ATM):c.8671G>T (p.Gly2891Cys)

Genes: ATM (ATM serine/threonine kinase; plus strand), C11orf65 (chromosome 11 open reading frame 65; minus strand). Cytogenetic location: 11q22.3.
Variant type: single nucleotide variant.
Coding change: c.8671G>T on transcript NM_000051.4 (MANE Select); coding-DNA position 8671, G replaced by T.
Protein change: p.Gly2891Cys; replaces glycine 2891 with cysteine.
Molecular consequence: missense variant. On other transcripts: intron variant (2).
Genome position (GRCh38, 1-based): chr11:108,347,365, G>T. VCF-style: chr11-108347365-G-T. GRCh37 (hg19) VCF-style: chr11-108218092-G-T.
Other names: c.8671G>T, p.Gly2891Cys (NM_001351834.2); c.641-38294C>A (NM_001330368.2); c.695-12073C>A (NM_001351110.2); short protein forms G2891C.
Identifiers: ClinVar variation 860636 (VCV000860636.12), dbSNP rs1565567541, ClinGen allele CA382521342.

ClinVar aggregate classification (germline): Uncertain significance. Review status: criteria provided, multiple submitters, no conflicts (2 of 4 stars). 3 submissions from 3 submitters: Uncertain significance (3). Last evaluated 2025-03-26.

Conditions:
Hereditary cancer-predisposing syndrome. Also called: Tumor predisposition; Neoplastic Syndromes, Hereditary; Hereditary Cancer Syndrome; Hereditary neoplastic syndrome. Identifiers: Orphanet 140162, MedGen C0027672, MeSH D009386, MONDO:0015356.
Familial cancer of breast. Also called: Hereditary breast cancer; BREAST CANCER, FAMILIAL; hereditary breast carcinoma. Identifiers: Orphanet 227535, MedGen C0346153, MONDO:0016419, OMIM 114480. Disease mechanism: loss of function.
Ataxia-telangiectasia syndrome (AT). Also called: ATAXIA-TELANGIECTASIA, COMPLEMENTATION GROUP A; ATAXIA-TELANGIECTASIA, FRESNO VARIANT; Ataxia-telangiectasia; Ataxia-telangiectasia, complementation group D; AT, COMPLEMENTATION GROUP C; Ataxia-telangiectasia, complementation group E. Identifiers: Orphanet 100, MedGen C0004135, MONDO:0008840, OMIM 208900.

Submissions (3):

Labcorp Genetics (formerly Invitae), Labcorp
Classification: Uncertain significance for Ataxia-telangiectasia syndrome. Last evaluated: 2025-03-26. Review status: criteria provided, single submitter. Criteria: Invitae Variant Classification Sherloc (09022015). Collection method: clinical testing. Allele origin: germline.
Comment: This sequence change replaces glycine, which is neutral and non-polar, with cysteine, which is neutral and slightly polar, at codon 2891 of the ATM protein (p.Gly2891Cys). This variant also falls at the last nucleotide of exon 59, which is part of the consensus splice site for this exon. This variant is not present in population databases (gnomAD no frequency). This variant has not been reported in the literature in individuals affected with ATM-related conditions. ClinVar contains an entry for this variant (Variation ID: 860636). An algorithm developed to predict the effect of missense changes on protein structure and function (PolyPhen-2) suggests that this variant is likely to be disruptive. Variants that disrupt the consensus splice site are a relatively common cause of aberrant splicing (PMID: 17576681, 9536098). In summary, the available evidence is currently insufficient to determine the role of this variant in disease. Therefore, it has been classified as a Variant of Uncertain Significance.

Baylor Genetics
Classification: Uncertain significance for Familial cancer of breast. Last evaluated: 2023-06-04. Review status: criteria provided, single submitter. Criteria: ACMG Guidelines, 2015. Collection method: clinical testing. Allele origin: unknown.

Ambry Genetics
Classification: Uncertain significance for Hereditary cancer-predisposing syndrome. Last evaluated: 2022-05-10. Review status: criteria provided, single submitter. Criteria: Ambry Variant Classification Scheme 2023. Collection method: clinical testing. Allele origin: germline.

Literature cited by the submitters: PubMed 17576681 (cited by Labcorp Genetics (formerly Invitae), Labcorp); PubMed 9536098 (cited by Labcorp Genetics (formerly Invitae), Labcorp).